The following is an entry in ClinVar:

ClinVar aggregate classification (germline): Uncertain significance. Review status: criteria provided, multiple submitters, no conflicts (2 of 4 stars). 3 submissions from 3 submitters: Uncertain significance (3). Last evaluated 2025-05-11.

Conditions:
Tietz syndrome (TADS). Also called: ALBINISM-DEAFNESS OF TIETZ; TIETZ ALBINISM-DEAFNESS SYNDROME; HYPOPIGMENTATION/DEAFNESS OF TIETZ. Identifiers: Orphanet 42665, MedGen C0391816, MONDO:0007077, OMIM 103500.
Waardenburg syndrome type 2A (WS2A). Also called: WAARDENBURG SYNDROME WITHOUT DYSTOPIA CANTHORUM. Identifiers: Orphanet 3440, MedGen C1860339, MONDO:0008671, OMIM 193510.
Melanoma, cutaneous malignant, susceptibility to, 8. Also called: MELANOMA AND RENAL CELL CARCINOMA, SUSCEPTIBILITY TO; Cutaneous malignant melanoma 8. Identifiers: Orphanet 293822, MedGen C3152204, MONDO:0013759, OMIM 614456.
Hereditary cancer-predisposing syndrome. Also called: Tumor predisposition; Neoplastic Syndromes, Hereditary; Hereditary neoplastic syndrome; Hereditary Cancer Syndrome. Identifiers: Orphanet 140162, MedGen C0027672, MeSH D009386, MONDO:0015356.

gnomAD v4.1: 5 of 1,614,066 alleles (0.00031%); highest among the groups gnomAD compares: Middle Eastern, 0.016%; no homozygotes.

Submissions (3):

Ambry Genetics
Classification: Uncertain significance for Hereditary cancer-predisposing syndrome. Last evaluated: 2025-05-11. Review status: criteria provided, single submitter. Criteria: Ambry Variant Classification Scheme 2023. Collection method: clinical testing. Allele origin: germline.
Comment: The p.M370I variant (also known as c.1110G>A), located in coding exon 9 of the MITF gene, results from a G to A substitution at nucleotide position 1110. The methionine at codon 370 is replaced by isoleucine, an amino acid with highly similar properties. This amino acid position is conserved. In addition, this alteration is predicted to be tolerated by in silico analysis. Based on the available evidence, the clinical significance of this variant remains unclear.

Labcorp Genetics (formerly Invitae), Labcorp
Classification: Uncertain significance for Melanoma, cutaneous malignant, susceptibility to, 8; Waardenburg syndrome type 2A; Tietz syndrome. Last evaluated: 2024-12-09. Review status: criteria provided, single submitter. Criteria: Invitae Variant Classification Sherloc (09022015). Collection method: clinical testing. Allele origin: germline.
Comment: This sequence change replaces methionine, which is neutral and non-polar, with isoleucine, which is neutral and non-polar, at codon 370 of the MITF protein (p.Met370Ile). This variant is present in population databases (no rsID available, gnomAD 0.003%). This variant has not been reported in the literature in individuals affected with MITF-related conditions. Invitae Evidence Modeling of protein sequence and biophysical properties (such as structural, functional, and spatial information, amino acid conservation, physicochemical variation, residue mobility, and thermodynamic stability) indicates that this missense variant is not expected to disrupt MITF protein function with a negative predictive value of 80%. In summary, the available evidence is currently insufficient to determine the role of this variant in disease. Therefore, it has been classified as a Variant of Uncertain Significance.

GeneDx
Classification: Uncertain significance. Last evaluated: 2023-12-07. Review status: criteria provided, single submitter. Criteria: GeneDx Variant Classification Process June 2021. Collection method: clinical testing. Allele origin: germline. Affected: yes.
Comment: In silico analysis supports that this missense variant does not alter protein structure/function; Has not been previously published as pathogenic or benign to our knowledge

NM_001354604.2(MITF):c.1431G>A (p.Met477Ile)

Gene: MITF (melanocyte inducing transcription factor; plus strand). Cytogenetic location: 3p13.
Variant type: single nucleotide variant.
Coding change: c.1431G>A on transcript NM_001354604.2 (MANE Select); coding-DNA position 1431, G replaced by A.
Protein change: p.Met477Ile; replaces methionine 477 with isoleucine.
Molecular consequence: missense variant.
Genome position (GRCh38, 1-based): chr3:69,965,098, G>A. VCF-style: chr3-69965098-G-A. GRCh37 (hg19) VCF-style: chr3-70014249-G-A.
Other names: c.1110G>A, p.Met370Ile (NM_000248.4); c.1257G>A, p.Met419Ile (NM_001184967.2, NM_001354608.2); c.1428G>A, p.Met476Ile (NM_001354605.2); c.1410G>A, p.Met470Ile (NM_001354606.2, NM_006722.3); c.1362G>A, p.Met454Ile (NM_001354607.2); c.1092G>A, p.Met364Ile (NM_198158.3); c.1413G>A, p.Met471Ile (NM_198159.3); c.1365G>A, p.Met455Ile (NM_198177.3); and 1 more; short protein forms M308I, M364I, M370I, M419I, M454I, M455I, M470I, M471I.
Identifiers: ClinVar variation 3365346 (VCV003365346.4).